The following is an entry in ClinVar:

NM_001348800.3(ZBTB20):c.737C>A (p.Ala246Glu)

Gene: ZBTB20 (zinc finger and BTB domain containing 20; minus strand). Cytogenetic location: 3q13.31.
Variant type: single nucleotide variant.
Coding change: c.737C>A on transcript NM_001348800.3 (MANE Select); coding-DNA position 737, C replaced by A.
Protein change: p.Ala246Glu; replaces alanine 246 with glutamic acid.
Molecular consequence: missense variant.
Genome position (GRCh38, 1-based): chr3:114,351,341, G>T on the plus strand (C>A on the coding strand, the complement: ZBTB20 is on the minus strand). VCF-style: chr3-114351341-G-T. GRCh37 (hg19) VCF-style: chr3-114070188-G-T.
Other names: c.737C>A, p.Ala246Glu (NM_001164342.2, NM_001348803.3, NM_001393393.1 and 1 more transcripts); c.518C>A, p.Ala173Glu (NM_001164343.2, NM_001164344.4, NM_001164345.4 and 9 more transcripts); short protein forms A173E, A246E.
Identifiers: ClinVar variation 2632461 (VCV002632461.1), dbSNP rs2550504451, ClinGen allele CA354015506.
Genomic context (GRCh38, chr3:114,351,341, plus strand): 5'-ACTGCGCCGCTGTAAAAAGAGCGCTCGCCGCTGCCATTCTGCATGGAGCACGCGTAGAGT[G>T]CCGAGTAGATCCTGTCCACGCTGTGCTGTGGGTGGCTCTGCAGGTAGCCCGACTCCGTGT-3'
Protein context (NP_001335729.1, residues 236-256): PQHSVDRIYS[Ala246Glu]LYACSMQNGS

ClinVar aggregate classification (germline): Uncertain significance (1 of 4 stars; one submission).

Conditions:
ZBTB20-related disorder. Also called: ZBTB20-related condition.

Submission:

PreventionGenetics, part of Exact Sciences
Classification: Uncertain significance for ZBTB20-related condition. Last evaluated: 2023-05-27. Review status: criteria provided, single submitter. Criteria: ACMG Guidelines, 2015. Collection method: clinical testing. Allele origin: germline.
Comment: The ZBTB20 c.737C>A variant is predicted to result in the amino acid substitution p.Ala246Glu. To our knowledge, this variant has not been reported in the literature or in a large population database, indicating this variant is rare. At this time, the clinical significance of this variant is uncertain due to the absence of conclusive functional and genetic evidence.